The following is an entry in ClinVar:

NM_000094.4(COL7A1):c.5052+6T>A

Gene: COL7A1 (collagen type VII alpha 1 chain; minus strand). Cytogenetic location: 3p21.31.
Variant type: single nucleotide variant.
Coding change: c.5052+6T>A on transcript NM_000094.4 (MANE Select); 6 bases into the intron after coding-DNA position 5052, T replaced by A.
Molecular consequence: intron variant.
Genome position (GRCh38, 1-based): chr3:48,580,575, A>T on the plus strand (T>A on the coding strand, the complement: COL7A1 is on the minus strand). VCF-style: chr3-48580575-A-T. GRCh37 (hg19) VCF-style: chr3-48618008-A-T.
Identifiers: ClinVar variation 1942537 (VCV001942537.2), dbSNP rs1575455275, ClinGen allele CA2580069954.

ClinVar aggregate classification (germline): Uncertain significance (1 of 4 stars; one submission).

Submission:

Labcorp Genetics (formerly Invitae), Labcorp
Classification: Uncertain significance. Last evaluated: 2022-03-12. Review status: criteria provided, single submitter. Criteria: Invitae Variant Classification Sherloc (09022015). Collection method: clinical testing. Allele origin: germline.
Comment: This sequence change falls in intron 54 of the COL7A1 gene. It does not directly change the encoded amino acid sequence of the COL7A1 protein. It affects a nucleotide within the consensus splice site. This variant is not present in population databases (gnomAD no frequency). This variant has not been reported in the literature in individuals affected with COL7A1-related conditions. Variants that disrupt the consensus splice site are a relatively common cause of aberrant splicing (PMID: 17576681, 9536098). Algorithms developed to predict the effect of sequence changes on RNA splicing suggest that this variant may disrupt the consensus splice site. In summary, the available evidence is currently insufficient to determine the role of this variant in disease. Therefore, it has been classified as a Variant of Uncertain Significance.

Literature cited by the submitters: PubMed 17576681; PubMed 9536098.